The following is an entry in ClinVar:

ClinVar aggregate classification (germline): Uncertain significance (1 of 4 stars; one submission).

Conditions:
Imerslund-Grasbeck syndrome. Also called: PERNICIOUS ANEMIA, JUVENILE, DUE TO SELECTIVE INTESTINAL MALABSORPTION OF VITAMIN B12, WITH PROTEINURIA; Megaloblastic anemia due to inborn errors of metabolism; Imerslund-Gräsbeck syndrome; ENTEROCYTE COBALAMIN MALABSORPTION; ENTEROCYTE INTRINSIC FACTOR RECEPTOR, DEFECT OF. Identifiers: Orphanet 35858, MedGen C4551825, MONDO:0009853.

Allele frequency attached by ClinVar (database versions not stated): TOPMed below 0.00001; ExAC 0.00001; gnomAD exomes 0.00001; gnomAD 0.00004.
gnomAD v4.1: 13 of 1,595,904 alleles (0.00081%); highest among the groups gnomAD compares: Admixed American, 0.018%; no homozygotes.

Submission:

Labcorp Genetics (formerly Invitae), Labcorp
Classification: Uncertain significance for Imerslund-Grasbeck syndrome. Last evaluated: 2022-01-04. Review status: criteria provided, single submitter. Criteria: Invitae Variant Classification Sherloc (09022015). Collection method: clinical testing. Allele origin: germline.
Comment: Algorithms developed to predict the effect of missense changes on protein structure and function (SIFT, PolyPhen-2, Align-GVGD) all suggest that this variant is likely to be tolerated. In summary, the available evidence is currently insufficient to determine the role of this variant in disease. Therefore, it has been classified as a Variant of Uncertain Significance. This variant has not been reported in the literature in individuals affected with CUBN-related conditions. This sequence change replaces glutamine, which is neutral and polar, with histidine, which is basic and polar, at codon 86 of the CUBN protein (p.Gln86His). This variant is present in population databases (rs778278804, gnomAD 0.009%).

NM_001081.4(CUBN):c.258G>T (p.Gln86His)

Gene: CUBN (cubilin; minus strand). Cytogenetic location: 10p13.
Variant type: single nucleotide variant.
Coding change: c.258G>T on transcript NM_001081.4 (MANE Select); coding-DNA position 258, G replaced by T.
Protein change: p.Gln86His; replaces glutamine 86 with histidine.
Molecular consequence: missense variant.
Genome position (GRCh38, 1-based): chr10:17,127,919, C>A on the plus strand (G>T on the coding strand, the complement: CUBN is on the minus strand). VCF-style: chr10-17127919-C-A. GRCh37 (hg19) VCF-style: chr10-17169918-C-A.
Other names: short protein forms Q86H.
Identifiers: ClinVar variation 1361074 (VCV001361074.7), dbSNP rs778278804, ClinGen allele CA5425745.
Genomic context (GRCh38, chr10:17,127,919, plus strand): 5'-TATATTTTGAGGCAGACCAATTGCACTCCCTTTTAACTCTATAATATCTTCTTTGTTTTT[C>A]TGGATCTAATTTTAGAAAAAGAAGAAGAAATGAAGAGCACTAGTGAAAATATCATATTTA-3'
Protein context (NP_001072.2, residues 76-96): EDLSECLHQI[Gln86His]KNKEDIIELK